The following is an entry in ClinVar:

NM_152416.4(NDUFAF6):c.123_124dup (p.Ser42fs)

Genes: NDUFAF6 (NADH:ubiquinone oxidoreductase complex assembly factor 6; plus strand), LOC113788297 (Sharpr-MPRA regulatory region 2014; plus strand). Cytogenetic location: 8q22.1.
Variant type: Microsatellite.
Coding change: c.123_124dup on transcript NM_152416.4 (MANE Select); coding-DNA positions 123 to 124, 2 bases duplicated (GT; older notation c.123_124dupGT).
Protein change: p.Ser42fs; shifts the reading frame from serine 42.
Molecular consequence: frameshift variant. On other transcripts: 5 prime UTR variant (12), intron variant (7), non-coding transcript variant (6).
Genome position (GRCh38, 1-based): chr8:95,025,131-95,025,132, GT duplicated; duplicating any 2 consecutive bases within chr8:95,025,129-95,025,132 gives the same sequence; the c. name uses the placement nearest the transcript's 3' end. VCF-style (leftmost placement, unchanged base first): chr8-95025128-G-GGT. GRCh37 (hg19) VCF-style: chr8-96037356-G-GGT.
Other names: c.-677GT[3] (NM_001354527.2); c.-648GT[3] (NM_001354528.2); c.-460GT[3] (NM_001354529.2); c.-160GT[3] (NM_001330582.2, NM_001354521.2); c.-113GT[3] (NM_001354517.2); c.-332GT[3] (NM_001354518.2); c.-328GT[3] (NM_001354519.2); c.-456-6866GT[3] (NM_001354525.2, NM_001354524.2); and 8 more; short protein forms S42fs.
Identifiers: ClinVar variation 450204 (VCV000450204.1), dbSNP rs1463009913, ClinGen allele CA658657812.

ClinVar aggregate classification (germline): Likely pathogenic (1 of 4 stars; one submission).

Submission:

GeneDx
Classification: Likely pathogenic. Last evaluated: 2017-07-07. Review status: criteria provided, single submitter. Criteria: GeneDx Variant Classification (06012015). Collection method: clinical testing. Allele origin: germline. Affected: yes.
Comment: The c.123_124dupGT variant in the C8orf38 gene causes a frameshift starting with codon Serine 42, changes this amino acid to a Cysteine residue and creates a premature Stop codon at position 50 of the new reading frame, denoted p.Ser42CysfsX50. This variant is predicted to cause loss of normal protein function either through protein truncation or nonsense-mediated mRNA decay. Although this variant has not been previously reported to our knowledge, it is interpreted to be a likely pathogenic variant.